The following is an entry in ClinVar:

ClinVar aggregate classification (germline): Benign. Review status: criteria provided, multiple submitters, no conflicts (2 of 4 stars). 7 submissions from 7 submitters: Benign (5). 2 of the submissions do not count toward it. Last evaluated 2026-02-01.

Conditions:
Familial porphyria cutanea tarda (PCT). Also called: PCT, ''FAMILIAL'' TYPE; PCT, TYPE II; PORPHYRIA CUTANEA TARDA, TYPE II; PORPHYRIA, HEPATOCUTANEOUS TYPE; UROD DEFICIENCY; UROPORPHYRINOGEN DECARBOXYLASE DEFICIENCY. Identifiers: Orphanet 101330, Orphanet 443062, MedGen C0268323, MONDO:0008296, OMIM 176100.

Allele frequency attached by ClinVar (database versions not stated): gnomAD exomes 0.06402 and 0.07582; ExAC 0.07480; ESP Exome Variant Server 0.08550; gnomAD 0.08679 and 0.08811; TOPMed 0.09207; 1000 Genomes Project 0.09545; 1000 Genomes Project 30x 0.09869.
gnomAD v4.1: 106,610 of 1,614,134 alleles (6.6%); highest among the groups gnomAD compares: African/African-American, 15%; 4,074 homozygotes.

Submissions (7):

Labcorp Genetics (formerly Invitae), Labcorp
Classification: Benign. Last evaluated: 2026-02-01. Review status: criteria provided, single submitter. Criteria: Invitae Variant Classification Sherloc (09022015). Collection method: clinical testing. Allele origin: germline.

Mayo Clinic Laboratories, Mayo Clinic
Classification: Benign. Last evaluated: 2022-03-24. Review status: criteria provided, single submitter. Criteria: ACMG Guidelines, 2015. Collection method: clinical testing. Allele origin: germline. Observed: 66 variant alleles.

Illumina Laboratory Services, Illumina
Classification: Benign for Familial porphyria cutanea tarda. Last evaluated: 2018-01-13. Review status: criteria provided, single submitter. Criteria: ICSL Variant Classification Criteria 13 December 2019. Collection method: clinical testing. Allele origin: germline.
Comment: This variant was observed in the ICSL laboratory as part of a predisposition screen in an ostensibly healthy population. It had not been previously curated by ICSL or reported in the Human Gene Mutation Database (HGMD: prior to June 1st, 2018), and was therefore a candidate for classification through an automated scoring system. Utilizing variant allele frequency, disease prevalence and penetrance estimates, and inheritance mode, an automated score was calculated to assess if this variant is too frequent to cause the disease. Based on the score and internal cut-off values, a variant classified as benign is not then subjected to further curation. The score for this variant resulted in a classification of benign for this disease.

Breakthrough Genomics
Classification: Benign. Review status: criteria provided, single submitter. Criteria: ACMG Guidelines, 2015. Collection method: not provided. Allele origin: germline. Inheritance: Autosomal dominant inheritance. Affected: yes.

PreventionGenetics, part of Exact Sciences
Classification: Benign. Review status: criteria provided, single submitter. Criteria: ACMG Guidelines, 2015. Collection method: clinical testing. Allele origin: germline.

Clinical Genetics DNA and cytogenetics Diagnostics Lab, Erasmus MC, Erasmus Medical Center
Classification: Benign. Review status: no assertion criteria provided. Collection method: clinical testing. Allele origin: germline. Affected: yes. Study: VKGL Data-share Consensus. Not counted in ClinVar's aggregate classification.

Genome Diagnostics Laboratory, Amsterdam University Medical Center
Classification: Benign. Review status: no assertion criteria provided. Collection method: clinical testing. Allele origin: germline. Affected: yes. Study: VKGL Data-share Consensus. Not counted in ClinVar's aggregate classification.

NM_000374.5(UROD):c.603A>G (p.Pro201=)

Gene: UROD (uroporphyrinogen decarboxylase; plus strand). Cytogenetic location: 1p34.1.
Variant type: single nucleotide variant.
Coding change: c.603A>G on transcript NM_000374.5 (MANE Select); coding-DNA position 603, A replaced by G.
Protein change: p.Pro201=; no amino-acid change (proline 201 retained).
Molecular consequence: synonymous variant. On other transcripts: non-coding transcript variant (3).
Genome position (GRCh38, 1-based): chr1:45,014,037, A>G. VCF-style: chr1-45014037-A-G. GRCh37 (hg19) VCF-style: chr1-45479709-A-G.
Other names: p.Pro201=.
Identifiers: ClinVar variation 255961 (VCV000255961.18), dbSNP rs2228084, ClinGen allele CA825287.